The following is an entry in ClinVar:

ClinVar aggregate classification (germline): Pathogenic. Review status: criteria provided, multiple submitters, no conflicts (2 of 4 stars). 2 submissions from 2 submitters: Pathogenic (2). Last evaluated 2023-10-04.

Conditions:
Hereditary cancer-predisposing syndrome. Also called: Tumor predisposition; Hereditary Cancer Syndrome; Neoplastic Syndromes, Hereditary; Hereditary neoplastic syndrome. Identifiers: Orphanet 140162, MedGen C0027672, MeSH D009386, MONDO:0015356.

gnomAD v4.1: 2 of 1,579,438 alleles (0.00013%); highest among the groups gnomAD compares: Non-Finnish European, 0.00017%; no homozygotes.

Submissions (2):

Labcorp Genetics (formerly Invitae), Labcorp
Classification: Pathogenic for Hereditary cancer-predisposing syndrome. Last evaluated: 2023-10-04. Review status: criteria provided, single submitter. Criteria: Invitae Variant Classification Sherloc (09022015). Collection method: clinical testing. Allele origin: germline.
Comment: This sequence change creates a premature translational stop signal (p.Gln1014*) in the RAD50 gene. It is expected to result in an absent or disrupted protein product. Loss-of-function variants in RAD50 are known to be pathogenic (PMID: 19409520). This variant is not present in population databases (gnomAD no frequency). This variant has not been reported in the literature in individuals affected with RAD50-related conditions. ClinVar contains an entry for this variant (Variation ID: 822693). For these reasons, this variant has been classified as Pathogenic.

Ambry Genetics
Classification: Pathogenic for Hereditary cancer-predisposing syndrome. Last evaluated: 2018-05-09. Review status: criteria provided, single submitter. Criteria: Ambry Variant Classification Scheme 2023. Collection method: clinical testing. Allele origin: germline.
Comment: The p.Q1014* pathogenic mutation (also known as c.3040C>T), located in coding exon 20 of the RAD50 gene, results from a C to T substitution at nucleotide position 3040. This changes the amino acid from a glutamine to a stop codon within coding exon 20. This alteration is expected to result in loss of function by premature protein truncation or nonsense-mediated mRNA decay. As such, this alteration is interpreted as a disease-causing mutation.

Literature cited by the submitters: PubMed 19409520 (cited by Labcorp Genetics (formerly Invitae), Labcorp).

NM_005732.4(RAD50):c.3040C>T (p.Gln1014Ter)

Gene: RAD50 (RAD50 double strand break repair protein; plus strand). Cytogenetic location: 5q31.1.
Variant type: single nucleotide variant.
Coding change: c.3040C>T on transcript NM_005732.4 (MANE Select); coding-DNA position 3040, C replaced by T.
Protein change: p.Gln1014Ter; replaces glutamine 1014 with a stop codon.
Molecular consequence: nonsense.
Genome position (GRCh38, 1-based): chr5:132,616,006, C>T. VCF-style: chr5-132616006-C-T. GRCh37 (hg19) VCF-style: chr5-131951698-C-T.
Other names: short protein forms Q1014*.
Identifiers: ClinVar variation 822693 (VCV000822693.12), dbSNP rs1581008368, ClinGen allele CA360963382.
Genomic context (GRCh38, chr5:132,616,006, plus strand): 5'-AGATTTCATGTTAGTAACTTGGTTATTTTTGTTAACTAATTTAATGTTTACCTTTAGATA[C>T]AAGAAAGGTGGCTACAAGATAACCTTACTTTAAGAAAAAGAAATGAGGAACTAAAAGAAG-3'